The following is an entry in ClinVar:

NM_001003841.3(SLC6A19):c.1086C>A (p.Asp362Glu)

Gene: SLC6A19 (solute carrier family 6 member 19; plus strand). Cytogenetic location: 5p15.33.
Variant type: single nucleotide variant.
Coding change: c.1086C>A on transcript NM_001003841.3 (MANE Select); coding-DNA position 1086, C replaced by A.
Protein change: p.Asp362Glu; replaces aspartic acid 362 with glutamic acid.
Molecular consequence: missense variant.
Genome position (GRCh38, 1-based): chr5:1,216,858, C>A. VCF-style: chr5-1216858-C-A. GRCh37 (hg19) VCF-style: chr5-1216973-C-A.
Other names: short protein forms D362E.
Identifiers: ClinVar variation 1381726 (VCV001381726.6), dbSNP rs1196847480, ClinGen allele CA359071141.
Genomic context (GRCh38, chr5:1,216,858, plus strand): 5'-GACCCTCATCAACGGGTTCGACCTGCCTGAAGGCAACGTGACCCAGGAGAACTTTGTGGA[C>A]ATGCAGCAGCGGTGCAACGCCTCCGACCCCGCGGCCTACGCGCAGCTGGTGTTCCAGACC-3'
Protein context (NP_001003841.1, residues 352-372): EGNVTQENFV[Asp362Glu]MQQRCNASDP

ClinVar aggregate classification (germline): Uncertain significance (1 of 4 stars; one submission).

Allele frequency attached by ClinVar (database versions not stated): gnomAD exomes below 0.00001; gnomAD 0.00001; TOPMed 0.00001.
gnomAD v4.1: 30 of 1,613,690 alleles (0.0019%); highest among the groups gnomAD compares: Non-Finnish European, 0.0025%; no homozygotes.

Submission:

Labcorp Genetics (formerly Invitae), Labcorp
Classification: Uncertain significance. Last evaluated: 2022-08-31. Review status: criteria provided, single submitter. Criteria: Invitae Variant Classification Sherloc (09022015). Collection method: clinical testing. Allele origin: germline.
Comment: In summary, the available evidence is currently insufficient to determine the role of this variant in disease. Therefore, it has been classified as a Variant of Uncertain Significance. Advanced modeling of protein sequence and biophysical properties (such as structural, functional, and spatial information, amino acid conservation, physicochemical variation, residue mobility, and thermodynamic stability) performed at Invitae indicates that this missense variant is not expected to disrupt SLC6A19 protein function. ClinVar contains an entry for this variant (Variation ID: 1381726). This variant has not been reported in the literature in individuals affected with SLC6A19-related conditions. This variant is present in population databases (no rsID available, gnomAD 0.0009%). This sequence change replaces aspartic acid, which is acidic and polar, with glutamic acid, which is acidic and polar, at codon 362 of the SLC6A19 protein (p.Asp362Glu).